The following is an entry in ClinVar:

ClinVar aggregate classification (germline): Uncertain significance. Review status: criteria provided, multiple submitters, no conflicts (2 of 4 stars). 2 submissions from 2 submitters: Uncertain significance (2). Last evaluated 2025-05-31.

Conditions:
Hereditary cancer-predisposing syndrome. Also called: Hereditary neoplastic syndrome; Neoplastic Syndromes, Hereditary; Tumor predisposition; Hereditary Cancer Syndrome. Identifiers: Orphanet 140162, MedGen C0027672, MeSH D009386, MONDO:0015356.
EGFR-related lung cancer (EGFR). Identifiers: MedGen CN130014.

Submissions (2):

Ambry Genetics
Classification: Uncertain significance for Hereditary cancer-predisposing syndrome. Last evaluated: 2025-05-31. Review status: criteria provided, single submitter. Criteria: Ambry Variant Classification Scheme 2023. Collection method: clinical testing. Allele origin: germline.
Comment: The p.C1146F variant (also known as c.3437G>T), located in coding exon 28 of the EGFR gene, results from a G to T substitution at nucleotide position 3437. The cysteine at codon 1146 is replaced by phenylalanine, an amino acid with highly dissimilar properties. This amino acid position is conserved. In addition, this alteration is predicted to be tolerated by in silico analysis. Based on the available evidence, the clinical significance of this variant remains unclear.

Labcorp Genetics (formerly Invitae), Labcorp
Classification: Uncertain significance for EGFR-related lung cancer. Last evaluated: 2020-03-05. Review status: criteria provided, single submitter. Criteria: Invitae Variant Classification Sherloc (09022015). Collection method: clinical testing. Allele origin: germline.
Comment: In summary, the available evidence is currently insufficient to determine the role of this variant in disease. Therefore, it has been classified as a Variant of Uncertain Significance. Algorithms developed to predict the effect of missense changes on protein structure and function (SIFT, PolyPhen-2, Align-GVGD) all suggest that this variant is likely to be tolerated, but these predictions have not been confirmed by published functional studies and their clinical significance is uncertain. This variant has not been reported in the literature in individuals with EGFR-related conditions. This variant is not present in population databases (ExAC no frequency). This sequence change replaces cysteine with phenylalanine at codon 1146 of the EGFR protein (p.Cys1146Phe). The cysteine residue is weakly conserved and there is a large physicochemical difference between cysteine and phenylalanine.

NM_005228.5(EGFR):c.3437G>T (p.Cys1146Phe)

Gene: EGFR (epidermal growth factor receptor; plus strand). Cytogenetic location: 7p11.2.
Variant type: single nucleotide variant.
Coding change: c.3437G>T on transcript NM_005228.5 (MANE Select); coding-DNA position 3437, G replaced by T.
Protein change: p.Cys1146Phe; replaces cysteine 1146 with phenylalanine.
Molecular consequence: missense variant.
Genome position (GRCh38, 1-based): chr7:55,205,421, G>T. VCF-style: chr7-55205421-G-T. GRCh37 (hg19) VCF-style: chr7-55273114-G-T.
Other names: c.3437G>T (NM_005228.3); c.3302G>T, p.Cys1101Phe (NM_001346899.2); c.3278G>T, p.Cys1093Phe (NM_001346900.2); c.2636G>T, p.Cys879Phe (NM_001346941.2); short protein forms C1093F, C1101F, C1146F, C879F.
Identifiers: ClinVar variation 1005794 (VCV001005794.9), dbSNP rs1337590341, ClinGen allele CA367584616.